The following is an entry in ClinVar:

ClinVar aggregate classification (germline): Likely pathogenic (1 of 4 stars; one submission).

Conditions:
Severe combined immunodeficiency disease. Also called: Severe combined immunodeficiency; Severe Combined Immune Deficiency. Identifiers: Orphanet 183660, MedGen C0085110, MeSH D016511, MONDO:0015974, HP:0004430. Inheritance: X-Linked or Autosomal recessive.

Submission:

Women's Health and Genetics/Laboratory Corporation of America, LabCorp
Classification: Likely pathogenic for Severe combined immunodeficiency disease. Last evaluated: 2022-07-26. Review status: criteria provided, single submitter. Criteria: LabCorp Variant Classification Summary - May 2015. Collection method: clinical testing. Allele origin: germline.
Comment: Variant summary: The variant identified by MLPA or other technology involves the deletion of exon 1 in the DOCK8 gene, which includes the initiation codon. The next in-frame methionine codon is located within exon 3. A presumed nomenclature of c.(?_-113)_(53+1_54-1)del has been designated for the purposes of this classification. Different variant alleles involving deletion of exon 1 and additional regions from other upstream genes were found at a cumulative frequency of approximately 0.0018 in 21690 control chromosomes (gnomAD, Structural Variants dataset). Wang et al (2016) have shown in their study that 9p24.3 chromosomal deletions involving the DOCK8 gene are a hot spot for CNV loss on chromosome 9. Deletion of exon 1 has been reported in the literature in at least one homozygous individual affected with DOCK8 deficiency (Engelhardt_2015). It has also been reported in heterozygous individuals affected with neurodevelopmental disorders (Krgovic_2018). In addition, deletion of exons 1-2 has been reported in the literature in multiple individuals affected with DOCK8 deficiency (e.g. Engelhardt_2015). These data indicate that the variant is likely to be associated with disease and that the downstream initiation codon in exon 3 is unlikely to be used in protein translation. To our knowledge, no experimental evidence demonstrating an impact on protein function has been reported. One ClinVar submitter (evaluation after 2014) cites the variant as pathogenic and two ClinVar submitters (evaluation after 2014) cite it as uncertain significance. Based on the evidence outlined above, the variant was classified as likely pathogenic.

Literature cited by the submitters: PubMed 25724123; PubMed 29930340; PubMed 27891178.

NC_000009.11:g.(?_214864)_(215030_271626)del

Genes: DOCK8 (dedicator of cytokinesis 8; plus strand), DOCK8-AS1 (DOCK8 antisense RNA 1; minus strand). Cytogenetic location: 9p24.3.
Variant type: Deletion.
Identifiers: ClinVar variation 1704632 (VCV001704632.1).